The following is an entry in ClinVar:

ClinVar aggregate classification (germline): Likely benign. Review status: reviewed by expert panel (3 of 4 stars). 10 submissions from 10 submitters: Likely benign (1). 9 of the submissions do not count toward it. Last evaluated 2023-08-02.

Conditions:
CDH1-related diffuse gastric and lobular breast cancer syndrome. Also called: CDH1-related diffuse gastric and lobular breast cancer. Identifiers: MedGen CN311521, MONDO:0100488.
Familial cancer of breast. Also called: Hereditary breast cancer; BREAST CANCER, FAMILIAL; hereditary breast carcinoma. Identifiers: Orphanet 227535, MedGen C0346153, MONDO:0016419, OMIM 114480. Disease mechanism: loss of function.
Ovarian cancer. Also called: OVARIAN CANCER, SOMATIC. Identifiers: Orphanet 213500, MedGen C1140680, MONDO:0008170, OMIM 167000.
Hereditary cancer-predisposing syndrome. Also called: Tumor predisposition; Neoplastic Syndromes, Hereditary; Hereditary Cancer Syndrome; Hereditary neoplastic syndrome. Identifiers: Orphanet 140162, MedGen C0027672, MeSH D009386, MONDO:0015356.
Hereditary diffuse gastric adenocarcinoma (HDGC). Also called: DIFFUSE GASTRIC AND LOBULAR BREAST CANCER SYNDROME. Identifiers: Orphanet 26106, MedGen C1708349, MONDO:0007648, OMIM 137215.

Allele frequency attached by ClinVar (database versions not stated): gnomAD exomes 0.00001.
gnomAD v4.1: 11 of 1,614,122 alleles (0.00068%); highest among the groups gnomAD compares: Middle Eastern, 0.13%; no homozygotes.

Submissions (10):

Clingen Gastric Cancer Variant Curation Expert Panel
Classification: Likely benign for CDH1-related diffuse gastric and lobular breast cancer syndrome. Last evaluated: 2023-08-02. Review status: reviewed by expert panel. Criteria: ClinGen CDH1 ACMG Specifications V3.1. Collection method: curation. Allele origin: germline. Inheritance: Autosomal dominant inheritance.
Comment: The c.270G>A variant (NM_004360.5) is a synonymous (silent) variant (p.Arg90=) that is not predicted by SpliceAI, varSEAK to impact splicing (BP4, BP7). This variant has been observed in more than 10 heterozygous individuals with no GC, DGC, SRC tumors and whose families do not suggest HDGC (BS2; Invitae, Ambry, GeneDX). The variant is 1 out of 251,334 alleles (less than 1 out of 100,000) in gnomAD 2.1.1 cohort (PM2_Supporting). In summary, this variant meets criteria to be classified as likely benign for DGLBCS based on ACMG/AMP criteria applied as specified by the CDH1 Variant Curation Expert Panel: BS2, BP4, BP7, PM2_Supporting. The CDH1 VCEP classified the variant with conflicting criteria to likely benign based on Bayesian points calculation. (CDH1 VCEP specifications version 3.1; 05/06/2022)

Quest Diagnostics Nichols Institute San Juan Capistrano
Classification: Likely benign. Last evaluated: 2025-06-04. Review status: criteria provided, single submitter. Criteria: Quest Diagnostics criteria. Collection method: clinical testing. Allele origin: unknown. Not counted in ClinVar's aggregate classification.

Labcorp Genetics (formerly Invitae), Labcorp
Classification: Likely benign for Hereditary diffuse gastric adenocarcinoma. Last evaluated: 2025-03-25. Review status: criteria provided, single submitter. Criteria: Invitae Variant Classification Sherloc (09022015). Collection method: clinical testing. Allele origin: germline. Not counted in ClinVar's aggregate classification.

Myriad Genetics, Inc.
Classification: Benign for Hereditary diffuse gastric adenocarcinoma. Last evaluated: 2024-09-12. Review status: criteria provided, single submitter. Criteria: Myriad Autosomal Dominant, Autosomal Recessive and X-Linked Classification Criteria (2023). Collection method: clinical testing. Allele origin: unknown. Not counted in ClinVar's aggregate classification.
Comment: This variant is considered benign. This variant is a silent/synonymous amino acid change and it is not expected to impact splicing.

Department of Pathology and Laboratory Medicine, Sinai Health System
Classification: Likely benign for Familial cancer of breast; Ovarian cancer. Last evaluated: 2022-02-07. Review status: criteria provided, single submitter. Criteria: ACMG Guidelines, 2015. Collection method: clinical testing. Allele origin: germline. Affected: yes. Not counted in ClinVar's aggregate classification.

Sema4
Classification: Likely benign for Hereditary cancer-predisposing syndrome. Last evaluated: 2022-01-23. Review status: criteria provided, single submitter. Criteria: Sema4 Curation Guidelines. Collection method: curation. Allele origin: germline. Not counted in ClinVar's aggregate classification.

Women's Health and Genetics/Laboratory Corporation of America, LabCorp
Classification: Likely benign. Last evaluated: 2019-08-28. Review status: criteria provided, single submitter. Criteria: LabCorp Variant Classification Summary - May 2015. Collection method: clinical testing. Allele origin: germline. Not counted in ClinVar's aggregate classification.

GeneDx
Classification: Likely benign. Last evaluated: 2018-06-07. Review status: criteria provided, single submitter. Criteria: GeneDx Variant Classification (06012015). Collection method: clinical testing. Allele origin: germline. Affected: yes. Not counted in ClinVar's aggregate classification.
Comment: This variant is considered likely benign or benign based on one or more of the following criteria: it is a conservative change, it occurs at a poorly conserved position in the protein, it is predicted to be benign by multiple in silico algorithms, and/or has population frequency not consistent with disease.

Color Diagnostics, LLC DBA Color Health
Classification: Likely benign for Hereditary cancer-predisposing syndrome. Last evaluated: 2017-11-15. Review status: criteria provided, single submitter. Criteria: ACMG Guidelines, 2015. Collection method: clinical testing. Allele origin: germline. Not counted in ClinVar's aggregate classification.

Ambry Genetics
Classification: Likely benign for Hereditary cancer-predisposing syndrome. Last evaluated: 2015-11-20. Review status: criteria provided, single submitter. Criteria: Ambry Variant Classification Scheme 2023. Collection method: clinical testing. Allele origin: germline. Not counted in ClinVar's aggregate classification.

NM_004360.5(CDH1):c.270G>A (p.Arg90=)

Gene: CDH1 (cadherin 1; plus strand). Cytogenetic location: 16q22.1.
Variant type: single nucleotide variant.
Coding change: c.270G>A on transcript NM_004360.5 (MANE Select); coding-DNA position 270, G replaced by A.
Protein change: p.Arg90=; no amino-acid change (arginine 90 retained).
Molecular consequence: synonymous variant. On other transcripts: 5 prime UTR variant (2).
Genome position (GRCh38, 1-based): chr16:68,801,776, G>A. VCF-style: chr16-68801776-G-A. GRCh37 (hg19) VCF-style: chr16-68835679-G-A.
Other names: NM_004360.5(CDH1):c.270G>A; p.Arg90=; c.270G>A (LRG_301t1); c.270G>A, p.Arg90= (NM_001317184.2); c.-1346G>A (NM_001317185.2); c.-1550G>A (NM_001317186.2).
Identifiers: ClinVar variation 414048 (VCV000414048.25), dbSNP rs777822181, ClinGen allele CA8129820.